The following is an entry in ClinVar:

NM_001360.3(DHCR7):c.628A>G (p.Lys210Glu)

Gene: DHCR7 (7-dehydrocholesterol reductase; minus strand). Cytogenetic location: 11q13.4.
Variant type: single nucleotide variant.
Coding change: c.628A>G on transcript NM_001360.3 (MANE Select); coding-DNA position 628, A replaced by G.
Protein change: p.Lys210Glu; replaces lysine 210 with glutamic acid.
Molecular consequence: missense variant.
Genome position (GRCh38, 1-based): chr11:71,439,082, T>C on the plus strand (A>G on the coding strand, the complement: DHCR7 is on the minus strand). VCF-style: chr11-71439082-T-C. GRCh37 (hg19) VCF-style: chr11-71150128-T-C.
Other names: c.628A>G, p.Lys210Glu (NM_001425111.1, NM_001425112.1, NM_001425118.1 and 6 more transcripts); c.568A>G, p.Lys190Glu (NM_001425113.1); c.532A>G, p.Lys178Glu (NM_001425114.1, NM_001425116.1); c.454A>G, p.Lys152Glu (NM_001425117.1); c.679A>G, p.Lys227Glu (NM_001425107.1); c.664A>G, p.Lys222Glu (NM_001425108.1); short protein forms K152E, K178E, K190E, K210E, K222E, K227E.
Identifiers: ClinVar variation 4527904 (VCV004527904.1).

ClinVar aggregate classification (germline): Uncertain significance (1 of 4 stars; one submission).

gnomAD v4.1: 3 of 1,613,478 alleles (0.00019%); highest among the groups gnomAD compares: African/African-American, 0.004%; no homozygotes.

Submission:

GeneDx
Classification: Uncertain significance. Last evaluated: 2025-05-01. Review status: criteria provided, single submitter. Criteria: GeneDx Variant Classification Process June 2021. Collection method: clinical testing. Allele origin: germline. Affected: yes.
Comment: Not observed at significant frequency in large population cohorts (gnomAD); In silico analysis supports that this missense variant has a deleterious effect on protein structure/function; Has not been previously published as pathogenic or benign to our knowledge